The following is an entry in ClinVar:

ClinVar aggregate classification (germline): Uncertain significance (1 of 4 stars; one submission).

Conditions:
Emery-Dreifuss muscular dystrophy 5, autosomal dominant (EDMD5). Also called: EMERY-DREIFUSS MUSCULAR DYSTROPHY 5. Identifiers: Orphanet 261, MedGen C2751805, MONDO:0013072, OMIM 612999.

Allele frequency attached by ClinVar (database versions not stated): gnomAD exomes below 0.00001 and 0.00001; ExAC 0.00002; gnomAD 0.00003 and 0.00004; TOPMed 0.00005.
gnomAD v4.1: 6 of 1,613,758 alleles (0.00037%); highest among the groups gnomAD compares: African/African-American, 0.0053%; no homozygotes.

Submission:

Labcorp Genetics (formerly Invitae), Labcorp
Classification: Uncertain significance for Emery-Dreifuss muscular dystrophy 5, autosomal dominant. Last evaluated: 2018-10-23. Review status: criteria provided, single submitter. Criteria: Invitae Variant Classification Sherloc (09022015). Collection method: clinical testing. Allele origin: germline.
Comment: This sequence change replaces leucine with valine at codon 6736 of the SYNE2 protein (p.Leu6736Val). The leucine residue is moderately conserved and there is a small physicochemical difference between leucine and valine. In summary, the available evidence is currently insufficient to determine the role of this variant in disease. Therefore, it has been classified as a Variant of Uncertain Significance. This variant is present in population databases (rs779852124, ExAC 0.01%). This variant has not been reported in the literature in individuals with SYNE2-related disease. Algorithms developed to predict the effect of missense changes on protein structure and function do not agree on the potential impact of this missense change (SIFT: "Tolerated"; PolyPhen-2: "Probably Damaging"; Align-GVGD: "Class C0").

NM_182914.3(SYNE2):c.20206C>G (p.Leu6736Val)

Gene: SYNE2 (spectrin repeat containing nuclear envelope protein 2; plus strand). Cytogenetic location: 14q23.2.
Variant type: single nucleotide variant.
Coding change: c.20206C>G on transcript NM_182914.3 (MANE Select); coding-DNA position 20206, C replaced by G.
Protein change: p.Leu6736Val; replaces leucine 6736 with valine.
Molecular consequence: missense variant.
Genome position (GRCh38, 1-based): chr14:64,223,204, C>G. VCF-style: chr14-64223204-C-G. GRCh37 (hg19) VCF-style: chr14-64689922-C-G.
Other names: c.20137C>G, p.Leu6713Val (NM_015180.6); c.772C>G, p.Leu258Val (NM_182910.2); c.1150C>G, p.Leu384Val (NM_182913.4); short protein forms L6736V, L384V, L6713V, L258V.
Identifiers: ClinVar variation 470966 (VCV000470966.9), dbSNP rs779852124, ClinGen allele CA7224786.
Genomic context (GRCh38, chr14:64,223,204, plus strand): 5'-TCCCTTTGGACAGGTCACTGTTTCACACACTTTATCTGTTTTCAGCAACTGGAAAAGGAG[C>G]TGGTAGAACGTCAACCTCAAGTGGACATGTTACAGGAGATTTCAAACAGCCTTCTCATTA-3'
Protein context (NP_878918.2, residues 6726-6746): RRELMQLEKE[Leu6736Val]VERQPQVDML